The following is an entry in ClinVar:

NM_002471.4(MYH6):c.4791C>T (p.Asp1597=)

Genes: MYH6 (myosin heavy chain 6; minus strand), LOC126861896 (BRD4-independent group 4 enhancer GRCh37_chr14:23854904-23856103; plus strand). Cytogenetic location: 14q11.2.
Variant type: single nucleotide variant.
Coding change: c.4791C>T on transcript NM_002471.4 (MANE Select); coding-DNA position 4791, C replaced by T.
Protein change: p.Asp1597=; no amino-acid change (aspartic acid 1597 retained).
Molecular consequence: synonymous variant.
Genome position (GRCh38, 1-based): chr14:23,386,483, G>A on the plus strand (C>T on the coding strand, the complement: MYH6 is on the minus strand). VCF-style: chr14-23386483-G-A. GRCh37 (hg19) VCF-style: chr14-23855692-G-A.
Identifiers: ClinVar variation 928476 (VCV000928476.8), dbSNP rs761627508, ClinGen allele CA7114639.
Genomic context (GRCh38, chr14:23,386,483, plus strand): 5'-CTTCACCCTCAGGACCTCGTTGCGGCTGCGTGTCTCTGCATCCAGGGAGGTCTGCAGCGA[G>A]TCCACCACCCGCTGGTGGTTGCGCTTGGCCTGTTCCATCTCCTCGTCCTTCTCTGCCAGC-3'
Protein context (NP_002462.2, residues 1587-1607): QAKRNHQRVV[Asp1597=]SLQTSLDAET

ClinVar aggregate classification (germline): Likely benign. Review status: criteria provided, multiple submitters, no conflicts (2 of 4 stars). 3 submissions from 3 submitters: Likely benign (3). Last evaluated 2024-10-29.

Conditions:
Cardiovascular phenotype. Identifiers: MedGen CN230736.
Hypertrophic cardiomyopathy 14. Identifiers: MedGen C2750467, MONDO:0013197, OMIM 613251.

Allele frequency attached by ClinVar (database versions not stated): TOPMed 0.00002; gnomAD exomes 0.00004; ExAC 0.00005.

Submissions (3):

Labcorp Genetics (formerly Invitae), Labcorp
Classification: Likely benign for Hypertrophic cardiomyopathy 14. Last evaluated: 2024-10-29. Review status: criteria provided, single submitter. Criteria: Invitae Variant Classification Sherloc (09022015). Collection method: clinical testing. Allele origin: germline.

Ambry Genetics
Classification: Likely benign for Cardiovascular phenotype. Last evaluated: 2022-08-03. Review status: criteria provided, single submitter. Criteria: Ambry Variant Classification Scheme 2023. Collection method: clinical testing. Allele origin: germline.

Women's Health and Genetics/Laboratory Corporation of America, LabCorp
Classification: Likely benign. Last evaluated: 2019-04-12. Review status: criteria provided, single submitter. Criteria: LabCorp Variant Classification Summary - May 2015. Collection method: clinical testing. Allele origin: germline.
Comment: Variant summary: MYH6 c.4791C>T alters a non-conserved nucleotide resulting in a synonymous change. 4/4 computational tools predict no significant impact on normal splicing. However, these predictions have yet to be confirmed by functional studies. The variant allele was found at a frequency of 3.7e-05 in 246268 control chromosomes. The available data on variant occurrences in the general population are insufficient to allow any conclusion about variant significance. To our knowledge, no occurrence of c.4791C>T in individuals affected with Cardiomyopathy and no experimental evidence demonstrating its impact on protein function have been reported. Co-occurrences with other pathogenic variant(s) have been reported at our laboratory (SCN5A c.535C>T, p.Arg179*), providing supporting evidence for a benign role. No clinical diagnostic laboratories have submitted clinical-significance assessments for this variant to ClinVar after 2014. Based on the evidence outlined above, the variant was classified as likely benign.